The following is an entry in ClinVar:

ClinVar aggregate classification (germline): Pathogenic. Review status: criteria provided, multiple submitters, no conflicts (2 of 4 stars). 13 submissions from 13 submitters: Pathogenic (12). 1 of the submissions does not count toward it. Last evaluated 2026-02-12.

Conditions:
Inborn genetic diseases. Identifiers: MedGen C0950123, MeSH D030342.
Likely inborn error of metabolism.
BCKDHA-related disorder. Also called: BCKDHA-related condition.
Maple syrup urine disease type 1A (MSUD1A). Also called: MSUD type 1A. Identifiers: MedGen C1855369, MONDO:0023691, OMIM 248600.
Maple syrup urine disease (MSUD). Identifiers: Orphanet 511, MedGen C0024776, MeSH D008375, MONDO:0009563. Disease mechanism: loss of function.

Submissions (13):

Clinical Genomics Laboratory, Washington University in St. Louis
Classification: Pathogenic for Maple syrup urine disease type 1A. Last evaluated: 2026-02-12. Review status: criteria provided, single submitter. Criteria: ACMG Guidelines, 2015. Collection method: clinical testing. Allele origin: germline. Affected: yes.
Comment: The BCKDHA c.1312T>A (p.Tyr438Asn) variant, also known as Tyr393Asn, has been reported in multiple individuals with MSUD and is considered a founder variant in the Old Order Mennonite population (Fisher CR et al., PMID: 1885764; Khalifa OA et al., PMID: 32812330; Puffenberger EG, PMID: 12888983; Tu SC et al., PMID: 39723122; Zhang B et al., PMID: 2703538). A few non-Mennonite affected individuals were compound heterozygous for the variant and a pathogenic or likely pathogenic variant confirmed in trans (Tresbach RH et al., PMID: 39270351; Tu SC et al., PMID: 39723122). This variant is only observed in 92/1,611,804 alleles in the general population (gnomAD v4.1.0), indicating it is not a common variant. Functional studies show destabilization of the E1 catalytic subunit of the branched-chain alpha-keto acid dehydrogenase complex, resulting in very low enzyme activity, indicating that this variant impacts protein function (Fisher CR et al., PMID: 1885764). Computational predictors indicate that the variant is damaging, evidence that correlates with impact on BCKDHA function. This variant has been reported in the ClinVar database as a germline pathogenic variant by 15 submitters and likely pathogenic by three submitters. Based on available information and the ACMG/AMP guidelines for variant interpretation (Richards S et al., PMID: 25741868), this variant is classified as pathogenic. The BCKDHA c.117dup (p.Arg40Glnfs*11) variant has been reported in multiple individuals affected with MSUD. At least two were homozygous for the variant, and two were compound heterozygous for the variant and a pathogenic variant confirmed in trans (Chuang JL et al., PMID: 8037208; Fernández-Guerra P et al., PMID: 25333063; Rodríguez-Pombo P et al., PMID: 16786533; Zhang W et al., PMID: 31998365). This variant is only observed in 24/1,613,226 alleles in the general population (gnomAD v4.1.0), indicating it is not a common variant. This variant causes a frameshift by inserting a single nucleotide, leading to a premature termination codon, which is predicted to lead to nonsense-mediated decay. This variant has been reported in the ClinVar database as a germline pathogenic variant by 10 submitters. Based on available information and the ACMG/AMP guidelines for variant interpretation (Richards S et al., PMID: 25741868), this variant is classified as pathogenic.

NHS Central & South Genomic Laboratory Hub
Classification: Pathogenic for Likely inborn error of metabolism. Last evaluated: 2025-10-21. Review status: criteria provided, single submitter. Criteria: ACMG Guidelines, 2015. Collection method: clinical testing. Allele origin: germline. Affected: yes.

Natera, Inc.
Classification: Pathogenic for Maple syrup urine disease type 1A. Last evaluated: 2025-09-16. Review status: criteria provided, single submitter. Criteria: Natera Variant Classification Schema (03/2026). Collection method: clinical testing. Allele origin: germline.
Comment: The c.117dupC variant in BCKDHA is a frameshift variant predicted to shift the reading frame beginning at codon 40 and leads to a stop codon 11 codons downstream. This variant is expected to result in nonsense mediated decay, truncation, or a dysfunctional protein product. This variant is rare in the general population with a frequency below the threshold expected for the associated phenotype(s). This variant has been observed in one or more individuals affected with the associated recessive disease, as either homozygous or compound heterozygous with a second variant (PMID: 16786533). Given the available evidence, this variant is classified as Pathogenic.

Labcorp Genetics (formerly Invitae), Labcorp
Classification: Pathogenic for Maple syrup urine disease. Last evaluated: 2024-02-26. Review status: criteria provided, single submitter. Criteria: Invitae Variant Classification Sherloc (09022015). Collection method: clinical testing. Allele origin: germline.
Comment: This sequence change creates a premature translational stop signal (p.Arg40Glnfs*11) in the BCKDHA gene. It is expected to result in an absent or disrupted protein product. Loss-of-function variants in BCKDHA are known to be pathogenic (PMID: 16786533, 22593002). The frequency data for this variant in the population databases is considered unreliable, as metrics indicate poor data quality at this position in the gnomAD database. This premature translational stop signal has been observed in individuals with maple syrup urine disease (PMID: 8037208, 16786533). ClinVar contains an entry for this variant (Variation ID: 166741). For these reasons, this variant has been classified as Pathogenic.

Fulgent Genetics
Classification: Pathogenic for Maple syrup urine disease type 1A. Last evaluated: 2022-05-23. Review status: criteria provided, single submitter. Criteria: ACMG Guidelines, 2015. Collection method: clinical testing. Allele origin: unknown.

Blueprint Genetics
Classification: Pathogenic for BCKDHA-related disorders. Last evaluated: 2022-05-06. Review status: criteria provided, single submitter. Criteria: ACMG Guidelines, 2015. Collection method: clinical testing. Allele origin: germline. Affected: yes. Observed: 1 variant allele.

Genome-Nilou Lab
Classification: Pathogenic for Maple syrup urine disease type 1A. Last evaluated: 2021-11-07. Review status: criteria provided, single submitter. Criteria: ACMG Guidelines, 2015. Collection method: clinical testing. Allele origin: germline. Affected: no.

Ambry Genetics
Classification: Pathogenic for Inborn genetic diseases. Last evaluated: 2021-03-30. Review status: criteria provided, single submitter. Criteria: Ambry Variant Classification Scheme 2023. Collection method: clinical testing. Allele origin: germline.
Comment: The c.117dupC (p.R40Qfs*11) alteration, located in exon 2 (coding exon 2) of the BCKDHA gene, consists of a duplication of C at position 117, causing a translational frameshift with a predicted alternate stop codon after 11 amino acids. This alteration is expected to result in loss of function by premature protein truncation or nonsense-mediated mRNA decay. Based on data from the Genome Aggregation Database (gnomAD) database, the BCKDHA c.117dupC alteration was observed in 0.0024% (6/250,846) of total alleles studied, with a frequency of 0.0044% (5/113,326) in the European (non-Finnish) subpopulation. This alteration has been identified with a second alteration in BCKDHA in several unrelated patients with intermediate or classic maple syrup urine disease (Chuang, 1994, Fernandez-Guerra, 2014, Zhang, 2019). Based on the available evidence, this alteration is classified as pathogenic.

Women's Health and Genetics/Laboratory Corporation of America, LabCorp
Classification: Pathogenic for Maple syrup urine disease. Last evaluated: 2019-12-09. Review status: criteria provided, single submitter. Criteria: LabCorp Variant Classification Summary - May 2015. Collection method: clinical testing. Allele origin: germline.
Comment: Variant summary: BCKDHA c.117dupC (p.Arg40GlnfsX11) results in a premature termination codon, predicted to cause a truncation of the encoded protein or absence of the protein due to nonsense mediated decay, which are commonly known mechanisms for disease. The variant allele was found at a frequency of 2.4e-05 in 250846 control chromosomes (gnomAD). c.117dupC has been reported in the literature in individuals affected with Maple syrup urine disease (Chuang _1994, Rodriguez-Pombo_2006). In addition, Rodriguez-Pombo_2006 reports variant effect results in <10% of normal BCKD activity. These data indicate that the variant may be associated with disease.Two ClinVar submitters (evaluation after 2014) cite the variant as pathogenic. Based on the evidence outlined above, the variant was classified as pathogenic.

GeneDx
Classification: Pathogenic. Last evaluated: 2017-01-20. Review status: criteria provided, single submitter. Criteria: GeneDx Variant Classification (06012015). Collection method: clinical testing. Allele origin: germline. Affected: yes.
Comment: The c.117dupC pathogenic variant in the the BCKDHA gene has previously reported been reported in association with maple syrup urine disease (Jacinta et al., 1994; FernÃ¡ndez-Guerra et al., 2014). The duplication causes a frameshift starting with codon Arginine 40, changes this amino acid to a Glutamine residue and creates a premature Stop codon at position 11 of the new reading frame, denoted p.Arg40GlnfsX11. This variant is predicted to cause loss of normal protein function either through protein truncation or nonsense-mediated mRNA decay

Eurofins Ntd Llc (ga)
Classification: Pathogenic. Last evaluated: 2016-12-08. Review status: criteria provided, single submitter. Criteria: EGL Classification Definitions. Collection method: clinical testing. Allele origin: germline. Observed: 3 variant alleles, 3 heterozygotes.

Lifecell International Pvt. Ltd
Classification: Pathogenic for Maple syrup urine disease type 1A. Review status: criteria provided, single submitter. Criteria: ACMG Guidelines, 2015. Collection method: clinical testing. Allele origin: germline. Inheritance: Autosomal recessive inheritance. Affected: yes. Observed: 1 compound heterozygote.
Comment: A Heterozygous Frameshift, Splice site region variant c.110_111insC in Exon 2 of the BCKDHA gene that results in the amino acid substitution p.Arg40fs*11 was identified. The observed variant has a maximum allele frequency of 0.00002% in gnomAD exomes and genomes, respectively. This variant has been reported as pathogenic in ClinVar (variant ID: 166741) with 2 stars, criteria. The severity of the impact of this variant on the protein is high, based on the effect of the protein and REVEL score. Rare Exome Variant Ensemble Learner (REVEL) is an ensembl method for predicting the pathogenicity of missense variants based on a combination of scores from 13 individual tools: MutPred, FATHMM v2.3, VEST 3.0, PolyPhen-2, SIFT, PROVEAN, MutationAssessor, MutationTaster, LRT, GERP++, SiPhy, phyloP, and phastCons. The REVEL score for an individual missense variant can range from 0 to 1, with higher scores reflecting greater likelihood that the variant is disease-causing. This variant has previously been reported for MSUD in patients by Rodríguez-Pombo P, et, al., 2006. Based on the above evidence this variant has been classified as Pathogenic according to the ACMG guidelines.

Counsyl
Classification: Pathogenic for Maple syrup urine disease type 1A. Last evaluated: 2018-01-16. Review status: no assertion criteria provided. Collection method: clinical testing. Allele origin: unknown. Not counted in ClinVar's aggregate classification.

Literature cited by the submitters: PubMed 16786533 (cited by 5 submitters); PubMed 22593002 (cited by Labcorp Genetics (formerly Invitae), Labcorp); PubMed 8037208 (cited by 3 submitters); PubMed 16468966 (cited by Ambry Genetics); PubMed 22727569 (cited by Ambry Genetics); PubMed 25333063 (cited by Ambry Genetics); PubMed 31998365 (cited by Ambry Genetics); PubMed 9582350 (cited by Counsyl).

NM_000709.4(BCKDHA):c.117dup (p.Arg40fs)

Gene: BCKDHA (branched chain keto acid dehydrogenase E1 subunit alpha; plus strand). Cytogenetic location: 19q13.2.
Variant type: Duplication.
Coding change: c.117dup on transcript NM_000709.4 (MANE Select); coding-DNA position 117, one base duplicated (C; older notation c.117dupC).
Protein change: p.Arg40fs; shifts the reading frame from arginine 40.
Molecular consequence: frameshift variant.
Genome position (GRCh38, 1-based): chr19:41,410,645, C duplicated; the last of 7 consecutive C bases (chr19:41,410,639-41,410,645); duplicating any one gives the same sequence. VCF-style (leftmost placement, unchanged base first): chr19-41410638-A-AC. GRCh37 (hg19) VCF-style: chr19-41916543-A-AC.
Other names: c.110_111insC (NM_000709.4); c.117dup (NM_000709.3); c.117dup, p.Arg40fs (NM_001164783.2); short protein forms R40fs.
Identifiers: ClinVar variation 166741 (VCV000166741.29), dbSNP rs398123489, ClinGen allele CA295587.